The following is an entry in ClinVar:

ClinVar aggregate classification (germline): Uncertain significance. Review status: criteria provided, multiple submitters, no conflicts (2 of 4 stars). 3 submissions from 3 submitters: Uncertain significance (3). Last evaluated 2025-12-03.

Conditions:
KIAA0586-related disorder. Also called: KIAA0586-related condition; KIAA0586- Related disorders.
Short-rib thoracic dysplasia 14 with polydactyly (SRTD14). Identifiers: Orphanet 397715, MedGen C4225286, MONDO:0014688, OMIM 616546.
Joubert syndrome 23 (JBTS23). Identifiers: Orphanet 475, MedGen C4084822, MONDO:0014664, OMIM 616490.
Inborn genetic diseases. Identifiers: MedGen C0950123, MeSH D030342.

Allele frequency attached by ClinVar (database versions not stated): gnomAD exomes below 0.00001; gnomAD 0.00001; TOPMed 0.00002.

Submissions (3):

PreventionGenetics, part of Exact Sciences
Classification: Uncertain significance for KIAA0586-related condition. Last evaluated: 2025-12-03. Review status: criteria provided, single submitter. Criteria: ACMG Guidelines, 2015. Collection method: clinical testing. Allele origin: germline.
Comment: The KIAA0586 c.1384A>G variant is predicted to result in the amino acid substitution p.Ile462Val. To our knowledge, this variant has not been reported in the literature. This variant is reported in 0.0098% of alleles in individuals of East Asian descent in gnomAD. At this time, the clinical significance of this variant is uncertain due to the absence of conclusive functional and genetic evidence.

Ambry Genetics
Classification: Uncertain significance for Inborn genetic diseases. Last evaluated: 2025-08-26. Review status: criteria provided, single submitter. Criteria: Ambry Variant Classification Scheme 2023. Collection method: clinical testing. Allele origin: germline.

Labcorp Genetics (formerly Invitae), Labcorp
Classification: Uncertain significance for Joubert syndrome 23; Short-rib thoracic dysplasia 14 with polydactyly. Last evaluated: 2024-10-25. Review status: criteria provided, single submitter. Criteria: Invitae Variant Classification Sherloc (09022015). Collection method: clinical testing. Allele origin: germline.
Comment: This sequence change replaces isoleucine, which is neutral and non-polar, with valine, which is neutral and non-polar, at codon 462 of the KIAA0586 protein (p.Ile462Val). This variant is present in population databases (no rsID available, gnomAD 0.01%). This variant has not been reported in the literature in individuals affected with KIAA0586-related conditions. ClinVar contains an entry for this variant (Variation ID: 2066031). Invitae Evidence Modeling of protein sequence and biophysical properties (such as structural, functional, and spatial information, amino acid conservation, physicochemical variation, residue mobility, and thermodynamic stability) indicates that this missense variant is not expected to disrupt KIAA0586 protein function with a negative predictive value of 80%. In summary, the available evidence is currently insufficient to determine the role of this variant in disease. Therefore, it has been classified as a Variant of Uncertain Significance.

NM_001329943.3(KIAA0586):c.1225A>G (p.Ile409Val)

Gene: KIAA0586 (KIAA0586; plus strand). Cytogenetic location: 14q23.1.
Variant type: single nucleotide variant.
Coding change: c.1225A>G on transcript NM_001329943.3 (MANE Select); coding-DNA position 1225, A replaced by G.
Protein change: p.Ile409Val; replaces isoleucine 409 with valine.
Molecular consequence: missense variant.
Genome position (GRCh38, 1-based): chr14:58,453,445, A>G. VCF-style: chr14-58453445-A-G. GRCh37 (hg19) VCF-style: chr14-58920163-A-G.
Other names: c.1225A>G (NM_014749.3); c.1384A>G (NM_001244189.1); c.1384A>G, p.Ile462Val (NM_001244189.2); c.1180A>G, p.Ile394Val (NM_001244190.2); c.970A>G, p.Ile324Val (NM_001244191.2, NM_001329945.2, NM_001364700.1 and 1 more transcripts); c.1093A>G, p.Ile365Val (NM_001244192.2); c.805A>G, p.Ile269Val (NM_001244193.2); c.1225A>G, p.Ile409Val (NM_001329944.2, NM_001329946.2, NM_001329947.2 and 1 more transcripts); short protein forms I269V, I324V, I462V, I365V, I394V, I409V.
Identifiers: ClinVar variation 2066031 (VCV002066031.5), dbSNP rs1020244537, ClinGen allele CA261620295.